The following is an entry in ClinVar:

NM_139215.3(TAF15):c.143A>G (p.Gln48Arg)

Gene: TAF15 (TATA-box binding protein associated factor 15; plus strand). Cytogenetic location: 17q12.
Variant type: single nucleotide variant.
Coding change: c.143A>G on transcript NM_139215.3 (MANE Select); coding-DNA position 143, A replaced by G.
Protein change: p.Gln48Arg; replaces glutamine 48 with arginine.
Molecular consequence: missense variant.
Genome position (GRCh38, 1-based): chr17:35,820,207, A>G. VCF-style: chr17-35820207-A-G. GRCh37 (hg19) VCF-style: chr17-34147211-A-G.
Other names: c.143A>G, p.Gln48Arg (NM_003487.4); short protein forms Q48R.
Identifiers: ClinVar variation 1698173 (VCV001698173.2), dbSNP rs2087242457, ClinGen allele CA399214812.

ClinVar aggregate classification (germline): Uncertain significance (1 of 4 stars; one submission).

Submission:

GeneDx
Classification: Uncertain significance. Last evaluated: 2022-01-21. Review status: criteria provided, single submitter. Criteria: GeneDx Variant Classification Process June 2021. Collection method: clinical testing. Allele origin: germline. Affected: yes.
Comment: Not observed at significant frequency in large population cohorts (gnomAD); In silico analysis supports that this missense variant does not alter protein structure/function; Has not been previously published as pathogenic or benign to our knowledge